The following is an entry in ClinVar:

NM_015602.4(TOR1AIP1):c.1241C>G (p.Ala414Gly)

Gene: TOR1AIP1 (torsin 1A interacting protein 1; plus strand). Cytogenetic location: 1q25.2.
Variant type: single nucleotide variant.
Coding change: c.1241C>G on transcript NM_015602.4 (MANE Select); coding-DNA position 1241, C replaced by G.
Protein change: p.Ala414Gly; replaces alanine 414 with glycine.
Molecular consequence: missense variant.
Genome position (GRCh38, 1-based): chr1:179,917,728, C>G. VCF-style: chr1-179917728-C-G. GRCh37 (hg19) VCF-style: chr1-179886863-C-G.
Other names: c.1244C>G, p.Ala415Gly (NM_001267578.2); short protein forms A414G, A415G.
Identifiers: ClinVar variation 1435386 (VCV001435386.8), dbSNP rs757678339, ClinGen allele CA1269113.
Genomic context (GRCh38, chr1:179,917,728, plus strand): 5'-TGGAAAAACATCTTAATAGCTCCCATCCTCGGTCTCAGCCTGCTATCTTACTGCTCACTG[C>G]TGCCCGAGATGCTGAAGAAGCACTTAGGTGTCTGAGTGAACAAATTGCTGATGCCTATTC-3'
Protein context (NP_056417.2, residues 404-424): RSQPAILLLT[Ala414Gly]ARDAEEALRC

ClinVar aggregate classification (germline): Uncertain significance (1 of 4 stars; one submission).

Conditions:
Autosomal recessive limb-girdle muscular dystrophy type 2Y (MRRSDC). Also called: Muscular dystrophy, autosomal recessive, with rigid spine and distal joint contractures; Muscular dystrophy, limb-girdle, type 2y. Identifiers: Orphanet 424261, MedGen C4511482, MONDO:0014900, OMIM 617072.

Allele frequency attached by ClinVar (database versions not stated): gnomAD exomes below 0.00001 and 0.00001; ExAC 0.00001.
gnomAD v4.1: 1 of 1,614,228 alleles (0.000062%); highest among the groups gnomAD compares: Non-Finnish European, 0.000085%; no homozygotes.

Submission:

Labcorp Genetics (formerly Invitae), Labcorp
Classification: Uncertain significance for Autosomal recessive limb-girdle muscular dystrophy type 2Y. Last evaluated: 2023-08-10. Review status: criteria provided, single submitter. Criteria: Invitae Variant Classification Sherloc (09022015). Collection method: clinical testing. Allele origin: germline.
Comment: In summary, the available evidence is currently insufficient to determine the role of this variant in disease. Therefore, it has been classified as a Variant of Uncertain Significance. Advanced modeling of protein sequence and biophysical properties (such as structural, functional, and spatial information, amino acid conservation, physicochemical variation, residue mobility, and thermodynamic stability) performed at Invitae indicates that this missense variant is expected to disrupt TOR1AIP1 protein function. ClinVar contains an entry for this variant (Variation ID: 1435386). This variant has not been reported in the literature in individuals affected with TOR1AIP1-related conditions. This variant is present in population databases (rs757678339, gnomAD 0.002%). This sequence change replaces alanine, which is neutral and non-polar, with glycine, which is neutral and non-polar, at codon 415 of the TOR1AIP1 protein (p.Ala415Gly).